The following is an entry in ClinVar:

ClinVar aggregate classification (germline): Pathogenic (1 of 4 stars; one submission).

Conditions:
Birt-Hogg-Dube syndrome 1 (BHD1). Also called: FIBROFOLLICULOMAS WITH TRICHODISCOMAS AND ACROCHORDONS. Identifiers: Orphanet 122, MedGen CN375946, MONDO:0800445, OMIM 135150.

Submission:

Myriad Genetics, Inc.
Classification: Pathogenic for Birt-Hogg-Dube syndrome 1. Last evaluated: 2026-09-16. Review status: criteria provided, single submitter. Criteria: Myriad Autosomal Dominant, Autosomal Recessive and X-Linked Classification Criteria (2023). Collection method: clinical testing. Allele origin: unknown.
Comment: This variant is considered pathogenic. This variant creates a frameshift predicted to result in premature protein truncation.

NM_144997.7(FLCN):c.1451_1457del (p.Asn484fs)

Gene: FLCN (folliculin; minus strand). Cytogenetic location: 17p11.2.
Variant type: Deletion.
Coding change: c.1451_1457del on transcript NM_144997.7 (MANE Select); coding-DNA positions 1451 to 1457, 7 bases deleted (ATAAGAT; older notation c.1451_1457delATAAGAT).
Protein change: p.Asn484fs; shifts the reading frame from asparagine 484.
Molecular consequence: frameshift variant.
Genome position (GRCh38, 1-based): chr17:17,215,066-17,215,072, ATCTTAT deleted on the plus strand (ATAAGAT on the coding strand, the reverse complement: FLCN is on the minus strand). VCF-style (leftmost placement, unchanged base first): chr17-17215065-AATCTTAT-A. GRCh37 (hg19) VCF-style: chr17-17118379-AATCTTAT-A.
Other names: c.1505_1511del, p.Asn502fs (NM_001353229.2); c.1451_1457del, p.Asn484fs (NM_001353230.2, NM_001353231.2); short protein forms N484fs, N502fs.
Identifiers: ClinVar variation 5042292 (VCV005042292.1).